The following is an entry in ClinVar:

NM_024577.4(SH3TC2):c.142A>T (p.Ile48Phe)

Gene: SH3TC2 (SH3 domain and tetratricopeptide repeats 2; minus strand). Cytogenetic location: 5q32.
Variant type: single nucleotide variant.
Coding change: c.142A>T on transcript NM_024577.4 (MANE Select); coding-DNA position 142, A replaced by T.
Protein change: p.Ile48Phe; replaces isoleucine 48 with phenylalanine.
Molecular consequence: missense variant.
Genome position (GRCh38, 1-based): chr5:149,052,151, T>A on the plus strand (A>T on the coding strand, the complement: SH3TC2 is on the minus strand). VCF-style: chr5-149052151-T-A. GRCh37 (hg19) VCF-style: chr5-148431714-T-A.
Other names: short protein forms I48F.
Identifiers: ClinVar variation 1385066 (VCV001385066.8), dbSNP rs543440112, ClinGen allele CA361681148.

ClinVar aggregate classification (germline): Uncertain significance (1 of 4 stars; one submission).

Conditions:
Charcot-Marie-Tooth disease type 4. Also called: Charcot-Marie-Tooth, Type 4; Charcot-Marie-Tooth disease, type IV. Identifiers: Orphanet 64749, MedGen C4082197, MONDO:0018995.

Submission:

Labcorp Genetics (formerly Invitae), Labcorp
Classification: Uncertain significance for Charcot-Marie-Tooth disease type 4. Last evaluated: 2021-02-15. Review status: criteria provided, single submitter. Criteria: Invitae Variant Classification Sherloc (09022015). Collection method: clinical testing. Allele origin: germline.
Comment: In summary, the available evidence is currently insufficient to determine the role of this variant in disease. Therefore, it has been classified as a Variant of Uncertain Significance. Advanced modeling of protein sequence and biophysical properties (such as structural, functional, and spatial information, amino acid conservation, physicochemical variation, residue mobility, and thermodynamic stability) performed at Invitae indicates that this missense variant is not expected to disrupt SH3TC2 protein function. This variant has not been reported in the literature in individuals with SH3TC2-related conditions. This variant is not present in population databases (ExAC no frequency). This sequence change replaces isoleucine with phenylalanine at codon 48 of the SH3TC2 protein (p.Ile48Phe). The isoleucine residue is weakly conserved and there is a small physicochemical difference between isoleucine and phenylalanine.